The following is an entry in ClinVar:

NM_139057.4(ADAMTS17):c.756C>T (p.Ala252=)

Gene: ADAMTS17 (ADAM metallopeptidase with thrombospondin type 1 motif 17; minus strand). Cytogenetic location: 15q26.3.
Variant type: single nucleotide variant.
Coding change: c.756C>T on transcript NM_139057.4 (MANE Select); coding-DNA position 756, C replaced by T.
Protein change: p.Ala252=; no amino-acid change (alanine 252 retained).
Molecular consequence: synonymous variant.
Genome position (GRCh38, 1-based): chr15:100,281,262, G>A on the plus strand (C>T on the coding strand, the complement: ADAMTS17 is on the minus strand). VCF-style: chr15-100281262-G-A. GRCh37 (hg19) VCF-style: chr15-100821467-G-A.
Other names: p.Ala252=.
Identifiers: ClinVar variation 315311 (VCV000315311.21), dbSNP rs7496640, ClinGen allele CA7758586.

ClinVar aggregate classification (germline): Benign. Review status: criteria provided, multiple submitters, no conflicts (2 of 4 stars). 9 submissions from 9 submitters: Benign (7). 2 of the submissions do not count toward it. Last evaluated 2026-02-04.

Conditions:
Weill-Marchesani 4 syndrome, recessive. Also called: Weill-Marchesani syndrome 4. Identifiers: Orphanet 363992, MedGen C2750787, MONDO:0013176, OMIM 613195.

Allele frequency attached by ClinVar (database versions not stated): gnomAD exomes 0.37096; ESP Exome Variant Server 0.38498; gnomAD 0.40719 and 0.41268; ExAC 0.42957; TOPMed 0.43039; 1000 Genomes Project 30x 0.49719; 1000 Genomes Project 0.50000.
gnomAD v4.1: 603,976 of 1,606,436 alleles (38%); highest among the groups gnomAD compares: Admixed American, 58%; 119,736 homozygotes.

Submissions (9):

Labcorp Genetics (formerly Invitae), Labcorp
Classification: Benign. Last evaluated: 2026-02-04. Review status: criteria provided, single submitter. Criteria: Invitae Variant Classification Sherloc (09022015). Collection method: clinical testing. Allele origin: germline.

Blueprint Genetics
Classification: Benign. Last evaluated: 2024-11-27. Review status: criteria provided, single submitter. Criteria: ACMG Guidelines, 2015. Collection method: clinical testing. Allele origin: germline.

Mayo Clinic Laboratories, Mayo Clinic
Classification: Benign. Last evaluated: 2022-04-26. Review status: criteria provided, single submitter. Criteria: ACMG Guidelines, 2015. Collection method: clinical testing. Allele origin: germline. Observed: 431 variant alleles.

Genome-Nilou Lab
Classification: Benign for Weill-Marchesani 4 syndrome, recessive. Last evaluated: 2021-07-14. Review status: criteria provided, single submitter. Criteria: ACMG Guidelines, 2015. Collection method: clinical testing. Allele origin: germline. Affected: no.

GeneDx
Classification: Benign. Last evaluated: 2018-09-04. Review status: criteria provided, single submitter. Criteria: GeneDx Variant Classification Process June 2021. Collection method: clinical testing. Allele origin: germline. Affected: yes.

Illumina Laboratory Services, Illumina
Classification: Benign for Weill-Marchesani 4 syndrome, recessive. Last evaluated: 2018-01-13. Review status: criteria provided, single submitter. Criteria: ICSL Variant Classification Criteria 13 December 2019. Collection method: clinical testing. Allele origin: germline.
Comment: This variant was observed in the ICSL laboratory as part of a predisposition screen in an ostensibly healthy population. It had not been previously curated by ICSL or reported in the Human Gene Mutation Database (HGMD: prior to June 1st, 2018), and was therefore a candidate for classification through an automated scoring system. Utilizing variant allele frequency, disease prevalence and penetrance estimates, and inheritance mode, an automated score was calculated to assess if this variant is too frequent to cause the disease. Based on the score and internal cut-off values, a variant classified as benign is not then subjected to further curation. The score for this variant resulted in a classification of benign for this disease.

Breakthrough Genomics
Classification: Benign. Review status: criteria provided, single submitter. Criteria: ACMG Guidelines, 2015. Collection method: not provided. Allele origin: germline. Inheritance: Autosomal recessive inheritance. Affected: yes.

Diagnostic Laboratory, Department of Genetics, University Medical Center Groningen
Classification: Benign for Weill-Marchesani 4 syndrome, recessive. Review status: no assertion criteria provided. Collection method: clinical testing. Allele origin: germline. Affected: yes. Study: VKGL Data-share Consensus. Not counted in ClinVar's aggregate classification.

Genome Diagnostics Laboratory, Amsterdam University Medical Center
Classification: Benign. Review status: no assertion criteria provided. Collection method: clinical testing. Allele origin: germline. Affected: yes. Study: VKGL Data-share Consensus. Not counted in ClinVar's aggregate classification.